The following is an entry in ClinVar:

ClinVar aggregate classification (germline): Uncertain significance (1 of 4 stars; one submission).

Conditions:
Intellectual disability-severe speech delay-mild dysmorphism syndrome (IDDLA). Also called: FOXP1 Syndrome; Intellectual developmental disorder with language impairment AND with or without autistic features; Mental retardation with language impairment and autistic features. Identifiers: Orphanet 391372, MedGen C4013764, MONDO:0013352, OMIM 613670.

Submission:

Baylor Genetics
Classification: Uncertain significance for Intellectual disability-severe speech delay-mild dysmorphism syndrome. Last evaluated: 2019-03-07. Review status: criteria provided, single submitter. Criteria: ACMG Guidelines, 2015. Collection method: clinical testing. Allele origin: maternal. Affected: yes.
Comment: This variant was determined to be of uncertain significance according to ACMG Guidelines, 2015 [PMID:25741868].

NM_001349338.3(FOXP1):c.1664T>C (p.Leu555Pro)

Gene: FOXP1 (forkhead box P1; minus strand). Cytogenetic location: 3p13.
Variant type: single nucleotide variant.
Coding change: c.1664T>C on transcript NM_001349338.3 (MANE Select); coding-DNA position 1664, T replaced by C.
Protein change: p.Leu555Pro; replaces leucine 555 with proline.
Molecular consequence: missense variant. On other transcripts: non-coding transcript variant (2).
Genome position (GRCh38, 1-based): chr3:70,970,794, A>G on the plus strand (T>C on the coding strand, the complement: FOXP1 is on the minus strand). VCF-style: chr3-70970794-A-G. GRCh37 (hg19) VCF-style: chr3-71019945-A-G.
Other names: c.1661T>C, p.Leu554Pro (NM_001244808.3, NM_001349341.3); c.1712T>C, p.Leu571Pro (NM_001244810.2); c.1436T>C, p.Leu479Pro (NM_001244812.3); c.1364T>C, p.Leu455Pro (NM_001244813.3, NM_001244815.2, NM_001349342.3); c.1664T>C, p.Leu555Pro (NM_001244814.3, NM_001244816.2, NM_001349340.3 and 1 more transcripts); c.1361T>C, p.Leu454Pro (NM_001349337.2, NM_001349343.3, NM_001349344.3 and 1 more transcripts); short protein forms L454P, L479P, L571P, L554P, L555P, L455P.
Identifiers: ClinVar variation 1030052 (VCV001030052.1), dbSNP rs2036062834, ClinGen allele CA353490574.